The following is an entry in ClinVar:

NM_000392.5(ABCC2):c.2911C>G (p.Leu971Val)

Gene: ABCC2 (ATP binding cassette subfamily C member 2; plus strand). Cytogenetic location: 10q24.2.
Variant type: single nucleotide variant.
Coding change: c.2911C>G on transcript NM_000392.5 (MANE Select); coding-DNA position 2911, C replaced by G.
Protein change: p.Leu971Val; replaces leucine 971 with valine.
Molecular consequence: missense variant.
Genome position (GRCh38, 1-based): chr10:99,831,638, C>G. VCF-style: chr10-99831638-C-G. GRCh37 (hg19) VCF-style: chr10-101591395-C-G.
Other names: c.2911C>G, p.Leu971Val (LRG_1208t1); c.2911C>G (NM_000392.4); short protein forms L971V.
Identifiers: ClinVar variation 596096 (VCV000596096.12), dbSNP rs772482844, ClinGen allele CA5643641.

ClinVar aggregate classification (germline): Uncertain significance. Review status: criteria provided, multiple submitters, no conflicts (2 of 4 stars). 4 submissions from 4 submitters: Uncertain significance (4). Last evaluated 2025-08-08.

Conditions:
ABCC2-related disorder. Also called: ABCC2-related condition.
Dubin-Johnson syndrome (DJS). Also called: Hyperbilirubinemia type 2; Jaundice, Chronic Idiopathic; HYPERBILIRUBINEMIA, DUBIN-JOHNSON TYPE. Identifiers: Orphanet 234, MedGen C0022350, MONDO:0009380, OMIM 237500.
Inborn genetic diseases. Identifiers: MedGen C0950123, MeSH D030342.

Allele frequency attached by ClinVar (database versions not stated): gnomAD exomes 0.00001 and 0.00009; gnomAD 0.00003; TOPMed 0.00003; ExAC 0.00005.
gnomAD v4.1: 17 of 1,614,048 alleles (0.0011%); highest among the groups gnomAD compares: East Asian, 0.036%; no homozygotes.

Submissions (4):

PreventionGenetics, part of Exact Sciences
Classification: Uncertain significance for ABCC2-related condition. Last evaluated: 2025-08-08. Review status: criteria provided, single submitter. Criteria: ACMG Guidelines, 2015. Collection method: clinical testing. Allele origin: germline.
Comment: The ABCC2 c.2911C>G variant is predicted to result in the amino acid substitution p.Leu971Val. To our knowledge, this variant has not been reported in the literature. This variant is reported in 0.13% of alleles in individuals of East Asian descent in gnomAD. Although we suspect that this variant may be benign, at this time, the clinical significance of this variant is uncertain due to the absence of conclusive functional and genetic evidence.

Ambry Genetics
Classification: Uncertain significance for Inborn genetic diseases. Last evaluated: 2023-06-29. Review status: criteria provided, single submitter. Criteria: Ambry Variant Classification Scheme 2023. Collection method: clinical testing. Allele origin: germline.

Eurofins Ntd Llc (ga)
Classification: Uncertain significance. Last evaluated: 2018-02-10. Review status: criteria provided, single submitter. Criteria: EGL ClinVar v180209 classification definitions. Collection method: clinical testing. Allele origin: germline. Observed: 1 variant allele, 1 heterozygote.

Illumina Laboratory Services, Illumina
Classification: Uncertain significance for Dubin-Johnson syndrome. Last evaluated: 2018-01-12. Review status: criteria provided, single submitter. Criteria: ICSL Variant Classification Criteria 13 December 2019. Collection method: clinical testing. Allele origin: germline.